The following is an entry in ClinVar:

ClinVar aggregate classification (germline): Uncertain significance (1 of 4 stars; one submission).

Conditions:
Osteogenesis imperfecta type I (OI1). Also called: Lobstein disease; Osteogenesis imperfecta type 1; Lobstein's Disease; Classic Non-deforming Osteogenesis Imperfecta with Blue Sclerae; OI, TYPE I; OSTEOGENESIS IMPERFECTA TARDA. Identifiers: Orphanet 216796, Orphanet 666, MedGen C0023931, MONDO:0008146, OMIM 166200. Disease mechanism: loss of function.

Submission:

Labcorp Genetics (formerly Invitae), Labcorp
Classification: Uncertain significance for Osteogenesis imperfecta type I. Last evaluated: 2024-08-23. Review status: criteria provided, single submitter. Criteria: Invitae Variant Classification Sherloc (09022015). Collection method: clinical testing. Allele origin: germline.
Comment: This variant, c.455_456ins18, results in the insertion of 6 amino acid(s) to the COL1A1 protein (p.Pro149_Gly154dup), but otherwise preserves the integrity of the reading frame. This variant is present in population databases (no rsID available, gnomAD 0.007%). This variant has not been reported in the literature in individuals affected with COL1A1-related conditions. Experimental studies and prediction algorithms are not available or were not evaluated, and the functional significance of this variant is currently unknown. In summary, the available evidence is currently insufficient to determine the role of this variant in disease. Therefore, it has been classified as a Variant of Uncertain Significance.

NM_000088.4(COL1A1):c.447TCCCGGACC[3] (p.143PPG[6])

Gene: COL1A1 (collagen type I alpha 1 chain; minus strand). Cytogenetic location: 17q21.33.
Variant type: Microsatellite.
Coding change: c.447TCCCGGACC[3] on transcript NM_000088.4 (MANE Select); three copies in a row of the 9-base unit TCCCGGACC starting at c.447.
Protein change: p.143PPG[6].
Molecular consequence: inframe insertion.
Genome position: GRCh38 VCF-style: chr17-50199241-G-GGGTCCGGGAGGTCCGGGA. GRCh37 (hg19) VCF-style: chr17-48276602-G-GGGTCCGGGAGGTCCGGGA.
Identifiers: ClinVar variation 1514410 (VCV001514410.8), dbSNP rs1333144999, ClinGen allele CA626486269.